The following is an entry in ClinVar:

ClinVar aggregate classification (germline): Uncertain significance (1 of 4 stars; one submission).

Allele frequency attached by ClinVar (database versions not stated): gnomAD exomes below 0.00001; TOPMed below 0.00001; gnomAD 0.00001.

Submission:

Labcorp Genetics (formerly Invitae), Labcorp
Classification: Uncertain significance. Last evaluated: 2022-08-24. Review status: criteria provided, single submitter. Criteria: Invitae Variant Classification Sherloc (09022015). Collection method: clinical testing. Allele origin: germline.
Comment: In summary, the available evidence is currently insufficient to determine the role of this variant in disease. Therefore, it has been classified as a Variant of Uncertain Significance. This sequence change replaces glutamic acid, which is acidic and polar, with lysine, which is basic and polar, at codon 247 of the DNAJB5 protein (p.Glu247Lys). This variant is not present in population databases (gnomAD no frequency). This variant has not been reported in the literature in individuals affected with DNAJB5-related conditions. Algorithms developed to predict the effect of missense changes on protein structure and function (SIFT, PolyPhen-2, Align-GVGD) all suggest that this variant is likely to be tolerated.

NM_001349723.3(DNAJB5):c.613G>A (p.Glu205Lys)

Gene: DNAJB5 (DnaJ heat shock protein family (Hsp40) member B5; plus strand). Cytogenetic location: 9p13.3.
Variant type: single nucleotide variant.
Coding change: c.613G>A on transcript NM_001349723.3 (MANE Select); coding-DNA position 613, G replaced by A.
Protein change: p.Glu205Lys; replaces glutamic acid 205 with lysine.
Molecular consequence: missense variant.
Genome position (GRCh38, 1-based): chr9:34,996,450, G>A. VCF-style: chr9-34996450-G-A. GRCh37 (hg19) VCF-style: chr9-34996447-G-A.
Other names: c.613G>A, p.Glu205Lys (NM_001135005.3); c.397G>A, p.Glu133Lys (NM_001349724.2, NM_012266.6); c.499G>A, p.Glu167Lys (NM_001349725.2, NM_001135004.3); short protein forms E133K, E167K, E205K.
Identifiers: ClinVar variation 2186065 (VCV002186065.4), dbSNP rs1827797590, ClinGen allele CA373273706.